The following is an entry in ClinVar:

NM_000541.5(SAG):c.1047-1G>C

Gene: SAG (S-antigen visual arrestin; plus strand). Cytogenetic location: 2q37.1.
Variant type: single nucleotide variant.
Coding change: c.1047-1G>C on transcript NM_000541.5 (MANE Select); the canonical splice acceptor site of the intron before coding-DNA position 1047, G replaced by C.
Molecular consequence: splice acceptor variant.
Genome position (GRCh38, 1-based): chr2:233,342,270, G>C. VCF-style: chr2-233342270-G-C. GRCh37 (hg19) VCF-style: chr2-234250916-G-C.
Identifiers: ClinVar variation 2843548 (VCV002843548.3), dbSNP rs373268816, ClinGen allele CA2174662.

ClinVar aggregate classification (germline): Likely pathogenic (1 of 4 stars; one submission).

Allele frequency attached by ClinVar (database versions not stated): TOPMed 0.00001; ExAC 0.00002; gnomAD 0.00002; ESP Exome Variant Server 0.00008.
gnomAD v4.1: 9 of 1,604,032 alleles (0.00056%); highest among the groups gnomAD compares: Non-Finnish European, 0.00077%; no homozygotes.

Submission:

Labcorp Genetics (formerly Invitae), Labcorp
Classification: Likely pathogenic. Last evaluated: 2025-01-01. Review status: criteria provided, single submitter. Criteria: Invitae Variant Classification Sherloc (09022015). Collection method: clinical testing. Allele origin: germline.
Comment: This sequence change affects an acceptor splice site in intron 13 of the SAG gene. It is expected to disrupt RNA splicing. Variants that disrupt the donor or acceptor splice site typically lead to a loss of protein function (PMID: 16199547), and loss-of-function variants in SAG are known to be pathogenic (PMID: 9452120, 15234147, 22665972). The frequency data for this variant in the population databases is considered unreliable, as metrics indicate poor data quality at this position in the gnomAD database. Disruption of this splice site has been observed in individual(s) with Oguchi disease (PMID: 34162253). ClinVar contains an entry for this variant (Variation ID: 2843548). Algorithms developed to predict the effect of sequence changes on RNA splicing suggest that this variant may disrupt the consensus splice site. In summary, the currently available evidence indicates that the variant is pathogenic, but additional data are needed to prove that conclusively. Therefore, this variant has been classified as Likely Pathogenic.

Literature cited by the submitters: PubMed 16199547; PubMed 9452120; PubMed 15234147; PubMed 22665972; PubMed 34162253.